The following is an entry in ClinVar:

NM_000302.4(PLOD1):c.742-3C>T

Gene: PLOD1 (procollagen-lysine,2-oxoglutarate 5-dioxygenase 1; plus strand). Cytogenetic location: 1p36.22.
Variant type: single nucleotide variant.
Coding change: c.742-3C>T on transcript NM_000302.4 (MANE Select); 3 bases into the intron before coding-DNA position 742, C replaced by T.
Molecular consequence: intron variant.
Genome position (GRCh38, 1-based): chr1:11,957,839, C>T. VCF-style: chr1-11957839-C-T. GRCh37 (hg19) VCF-style: chr1-12017896-C-T.
Other names: p.?; c.883-3C>T (NM_001316320.2).
Identifiers: ClinVar variation 4684607 (VCV004684607.1).

ClinVar aggregate classification (germline): Likely benign (1 of 4 stars; one submission).

gnomAD v4.1: 1 of 1,610,712 alleles (0.000062%); highest among the groups gnomAD compares: Admixed American, 0.0017%; no homozygotes.

Submission:

Mayo Clinic Laboratories, Mayo Clinic
Classification: Likely benign. Last evaluated: 2025-01-27. Review status: criteria provided, single submitter. Criteria: ACMG Guidelines, 2015. Collection method: clinical testing. Allele origin: germline. Observed: 1 variant allele.
Comment: BP4, BP7